The following is an entry in ClinVar:

ClinVar aggregate classification (germline): Conflicting classifications of pathogenicity. Review status: criteria provided, conflicting classifications (1 of 4 stars). 4 submissions from 4 submitters: Uncertain significance (2); Likely benign (1). 1 of the submissions does not count toward it. Last evaluated 2026-01-11.

Conditions:
Immunodeficiency 104. Also called: Severe combined immunodeficiency, autosomal recessive, T cell-negative, B cell-positive, NK cell-positive; Severe Combined Immune Deficiency, Autosomal Recessive, TCell -Negative, B Cell-Positive, NK Cell-Positive, IL7R-Related; SCID, AUTOSOMAL RECESSIVE, T CELL-NEGATIVE, B CELL-POSITIVE, NK CELL-POSITIVE; IMMUNODEFICIENCY 104, SEVERE COMBINED. Identifiers: MedGen C5676890, MONDO:0012163, OMIM 608971.

Allele frequency attached by ClinVar (database versions not stated): ExAC 0.00012; gnomAD 0.00013 and 0.00014; TOPMed 0.00013; gnomAD exomes 0.00018; ESP Exome Variant Server 0.00023.
gnomAD v4.1: 719 of 1,614,138 alleles (0.045%); highest among the groups gnomAD compares: Non-Finnish European, 0.059%; no homozygotes.

Submissions (4):

Labcorp Genetics (formerly Invitae), Labcorp
Classification: Likely benign for Immunodeficiency 104. Last evaluated: 2026-01-11. Review status: criteria provided, single submitter. Criteria: Invitae Variant Classification Sherloc (09022015). Collection method: clinical testing. Allele origin: germline.

Center for Genomics, Ann and Robert H. Lurie Children's Hospital of Chicago
Classification: Uncertain significance for Immunodeficiency 104. Last evaluated: 2021-03-30. Review status: criteria provided, single submitter. Criteria: ACMG Guidelines, 2015. Collection method: clinical testing. Allele origin: germline.
Comment: IL7R NM_002185.4 exon 8 p.Ser366Pro (c.1096T>C): This variant has not been reported in the literature but is present in 41/126264 European alleles in the Genome Aggregation Database. This variant is present in ClinVar (Variation ID:134539). This variant amino acid Proline (Pro) is present in >30 species and is not well conserved among evolutionarily distant species; this suggests that this variant may not impact the protein. Additional computational prediction tools do not suggest an impact. In summary, data on this variant is insufficient for disease classification. Therefore, the clinical significance of this variant is uncertain.

Mayo Clinic Laboratories, Mayo Clinic
Classification: Uncertain significance. Last evaluated: 2020-07-08. Review status: criteria provided, single submitter. Criteria: ACMG Guidelines, 2015. Collection method: clinical testing. Allele origin: germline. Observed: 1 variant allele.

ITMI
No classification provided. Condition: AllHighlyPenetrant. Last evaluated: 2013-09-19. Review status: no classification provided. Collection method: reference population. Allele origin: germline. Not counted in ClinVar's aggregate classification.
Comment: Please see associated publication for description of ethnicities

Literature cited by the submitters: PubMed 24728327 (cited by ITMI).

NM_002185.5(IL7R):c.1096T>C (p.Ser366Pro)

Gene: IL7R (interleukin 7 receptor; plus strand). Cytogenetic location: 5p13.2.
Variant type: single nucleotide variant.
Coding change: c.1096T>C on transcript NM_002185.5 (MANE Select); coding-DNA position 1096, T replaced by C.
Protein change: p.Ser366Pro; replaces serine 366 with proline.
Molecular consequence: missense variant. On other transcripts: non-coding transcript variant (1).
Genome position (GRCh38, 1-based): chr5:35,876,202, T>C. VCF-style: chr5-35876202-T-C. GRCh37 (hg19) VCF-style: chr5-35876304-T-C.
Other names: short protein forms S366P.
Identifiers: ClinVar variation 134539 (VCV000134539.18), dbSNP rs201671392, ClinGen allele CA160132.